The following is an entry in ClinVar:

NM_000093.5(COL5A1):c.5461G>A (p.Gly1821Ser)

Genes: COL5A1 (collagen type V alpha 1 chain; plus strand), LOC101448202 (uncharacterized LOC101448202; minus strand). Cytogenetic location: 9q34.3.
Variant type: single nucleotide variant.
Coding change: c.5461G>A on transcript NM_000093.5 (MANE Select); coding-DNA position 5461, G replaced by A.
Protein change: p.Gly1821Ser; replaces glycine 1821 with serine.
Molecular consequence: missense variant.
Genome position (GRCh38, 1-based): chr9:134,842,247, G>A. VCF-style: chr9-134842247-G-A. GRCh37 (hg19) VCF-style: chr9-137734093-G-A.
Other names: c.5461G>A, p.Gly1821Ser (NM_001278074.1); short protein forms G1821S.
Identifiers: ClinVar variation 529246 (VCV000529246.12), dbSNP rs773709219, ClinGen allele CA5320753.

ClinVar aggregate classification (germline): Uncertain significance. Review status: criteria provided, multiple submitters, no conflicts (2 of 4 stars). 3 submissions from 3 submitters: Uncertain significance (3). Last evaluated 2026-05-23.

Conditions:
Familial thoracic aortic aneurysm and aortic dissection (TAAD). Also called: Thoracic aortic aneurysms and dissections. Identifiers: Orphanet 91387, MedGen C4707243, MONDO:0019625.
Ehlers-Danlos syndrome, classic type, 1 (EDSCL1). Also called: Ehlers-Danlos Syndrome, Classic Type, COL5A1-Related; EDS I; Ehlers-Danlos syndrome, type 1; EHLERS-DANLOS SYNDROME, GRAVIS TYPE; EHLERS-DANLOS SYNDROME, SEVERE CLASSIC TYPE. Identifiers: MedGen C0268335, MONDO:0019567, OMIM 130000.

Allele frequency attached by ClinVar (database versions not stated): gnomAD 0.00002; ExAC 0.00002; TOPMed below 0.00001.
gnomAD v4.1: 16 of 1,614,056 alleles (0.00099%); highest among the groups gnomAD compares: Admixed American, 0.0017%; no homozygotes.

Submissions (3):

Ambry Genetics
Classification: Uncertain significance for Familial thoracic aortic aneurysm and aortic dissection. Last evaluated: 2026-05-23. Review status: criteria provided, single submitter. Criteria: Ambry Variant Classification Scheme 2023. Collection method: clinical testing. Allele origin: germline.
Comment: The p.G1821S variant (also known as c.5461G>A), located in coding exon 66 of the COL5A1 gene, results from a G to A substitution at nucleotide position 5461. The glycine at codon 1821 is replaced by serine, an amino acid with similar properties. This amino acid position is conserved. In addition, this alteration is predicted to be deleterious by in silico analysis. Based on the available evidence, the clinical significance of this variant remains unclear.

Labcorp Genetics (formerly Invitae), Labcorp
Classification: Uncertain significance for Ehlers-Danlos syndrome, classic type, 1. Last evaluated: 2025-12-29. Review status: criteria provided, single submitter. Criteria: Invitae Variant Classification Sherloc (09022015). Collection method: clinical testing. Allele origin: germline.
Comment: This sequence change replaces glycine, which is neutral and non-polar, with serine, which is neutral and polar, at codon 1821 of the COL5A1 protein (p.Gly1821Ser). This variant is present in population databases (rs773709219, gnomAD 0.004%). This variant has not been reported in the literature in individuals affected with COL5A1-related conditions. ClinVar contains an entry for this variant (Variation ID: 529246). Invitae Evidence Modeling of protein sequence and biophysical properties (such as structural, functional, and spatial information, amino acid conservation, physicochemical variation, residue mobility, and thermodynamic stability) has been performed for this missense variant. However, the output from this modeling did not meet the statistical confidence thresholds required to predict the impact of this variant on COL5A1 protein function. In summary, the available evidence is currently insufficient to determine the role of this variant in disease. Therefore, it has been classified as a Variant of Uncertain Significance.

GeneDx
Classification: Uncertain significance. Last evaluated: 2020-08-26. Review status: criteria provided, single submitter. Criteria: GeneDx Variant Classification Process June 2021. Collection method: clinical testing. Allele origin: germline. Affected: yes.
Comment: Not observed at a significant frequency in large population cohorts (Lek et al., 2016); In silico analysis supports that this missense variant has a deleterious effect on protein structure/function; Has not been previously published as pathogenic or benign to our knowledge; Not located in the triple helical region, where the majority of pathogenic missense variants occur (Symoens et al., 2012; Stenson et al., 2014)